The following is an entry in ClinVar:

NM_001267550.2(TTN):c.94520T>C (p.Val31507Ala)

Genes: TTN (titin; minus strand), TTN-AS1 (TTN antisense RNA 1; plus strand). Cytogenetic location: 2q31.2.
Variant type: single nucleotide variant.
Coding change: c.94520T>C on transcript NM_001267550.2 (MANE Select); coding-DNA position 94520, T replaced by C.
Protein change: p.Val31507Ala; replaces valine 31507 with alanine.
Molecular consequence: missense variant.
Genome position (GRCh38, 1-based): chr2:178,547,005, A>G on the plus strand (T>C on the coding strand, the complement: TTN is on the minus strand). VCF-style: chr2-178547005-A-G. GRCh37 (hg19) VCF-style: chr2-179411732-A-G.
Other names: c.89597T>C, p.Val29866Ala (NM_001256850.1); c.67325T>C, p.Val22442Ala (NM_003319.4); c.86816T>C, p.Val28939Ala (NM_133378.4); c.67700T>C, p.Val22567Ala (NM_133432.3); c.67901T>C, p.Val22634Ala (NM_133437.4); short protein forms V22442A, V22567A, V22634A, V28939A, V29866A, V31507A.
Identifiers: ClinVar variation 2584632 (VCV002584632.2), dbSNP rs371097838, ClinGen allele CA1987123.

ClinVar aggregate classification (germline): Uncertain significance. Review status: criteria provided, multiple submitters, no conflicts (2 of 4 stars). 2 submissions from 2 submitters: Uncertain significance (2). Last evaluated 2026-04-24.

Conditions:
Dilated cardiomyopathy 1G (CMD1G). Identifiers: Orphanet 154, MedGen C1858763, MONDO:0011400, OMIM 604145.
Hypertrophic cardiomyopathy 9. Also called: Familial hypertrophic cardiomyopathy 9. Identifiers: MedGen C1861065, MONDO:0013412, OMIM 613765.
TTN-related disorder. Also called: TTN-related disorders; TTN-related condition; TTN-related disease.

Allele frequency attached by ClinVar (database versions not stated): gnomAD exomes below 0.00001; ExAC 0.00001; gnomAD 0.00001; TOPMed 0.00003; ESP Exome Variant Server 0.00008.
gnomAD v4.1: 7 of 1,607,702 alleles (0.00044%); highest among the groups gnomAD compares: African/African-American, 0.0067%; no homozygotes.

Submissions (2):

PreventionGenetics, part of Exact Sciences
Classification: Uncertain significance for TTN-related condition. Last evaluated: 2026-04-24. Review status: criteria provided, single submitter. Criteria: ACMG Guidelines, 2015. Collection method: clinical testing. Allele origin: germline.
Comment: The TTN c.94520T>C variant is predicted to result in the amino acid substitution p.Val31507Ala. To our knowledge, this variant has not been reported in the literature. This variant is reported in 0.011% of alleles in individuals of African descent in gnomAD. At this time, the clinical significance of this variant is uncertain due to the absence of conclusive functional and genetic evidence.

New York Genome Center
Classification: Uncertain significance for Dilated cardiomyopathy 1G; Hypertrophic cardiomyopathy 9. Last evaluated: 2022-12-05. Review status: criteria provided, single submitter. Criteria: NYGC Assertion Criteria 2020. Collection method: clinical testing. Allele origin: germline. Observed: 1 heterozygote.